The following is an entry in ClinVar:

NM_001378120.1(MBD5):c.3881C>A (p.Pro1294Gln)

Gene: MBD5 (methyl-CpG binding domain protein 5; plus strand). Cytogenetic location: 2q23.1.
Variant type: single nucleotide variant.
Coding change: c.3881C>A on transcript NM_001378120.1 (MANE Select); coding-DNA position 3881, C replaced by A.
Protein change: p.Pro1294Gln; replaces proline 1294 with glutamine.
Molecular consequence: missense variant.
Genome position (GRCh38, 1-based): chr2:148,489,513, C>A. VCF-style: chr2-148489513-C-A. GRCh37 (hg19) VCF-style: chr2-149247082-C-A.
Other names: c.3182C>A, p.Pro1061Gln (NM_018328.5); short protein forms P1061Q, P1294Q.
Identifiers: ClinVar variation 2049814 (VCV002049814.4), dbSNP rs375158010, ClinGen allele CA348725524.
Genomic context (GRCh38, chr2:148,489,513, plus strand): 5'-TTCCTGAGAATCCAAACACTACACTTCCACCTTTTCAAGATACACCTTGTGAGTTGCAAC[C>A]GAGGATTGACCCATCTCTTGGTCAACAGGTGAAGGATGGCCTCGTTGTGGGTGGCCCAGG-3'
Protein context (NP_001365049.1, residues 1284-1304): PFQDTPCELQ[Pro1294Gln]RIDPSLGQQV

ClinVar aggregate classification (germline): Uncertain significance (1 of 4 stars; one submission).

Conditions:
Intellectual developmental disorder, autosomal dominant 1. Also called: MBD5 Haploinsufficiency; Intellectual disability, autosomal dominant 1. Identifiers: Orphanet 228402, MedGen C1969562, MONDO:0007974, OMIM 156200.

gnomAD v4.1: 1 of 1,614,146 alleles (0.000062%); highest among the groups gnomAD compares: South Asian, 0.0011%; no homozygotes.

Submission:

Labcorp Genetics (formerly Invitae), Labcorp
Classification: Uncertain significance for Intellectual developmental disorder, autosomal dominant 1. Last evaluated: 2021-12-20. Review status: criteria provided, single submitter. Criteria: Invitae Variant Classification Sherloc (09022015). Collection method: clinical testing. Allele origin: germline.
Comment: In summary, the available evidence is currently insufficient to determine the role of this variant in disease. Therefore, it has been classified as a Variant of Uncertain Significance. Algorithms developed to predict the effect of missense changes on protein structure and function output the following: SIFT: "Tolerated"; PolyPhen-2: "Not Available"; Align-GVGD: "Class C0". The glutamine amino acid residue is found in multiple mammalian species, which suggests that this missense change does not adversely affect protein function. This variant has not been reported in the literature in individuals affected with MBD5-related conditions. This variant is present in population databases (no rsID available, gnomAD 0.003%). This sequence change replaces proline, which is neutral and non-polar, with glutamine, which is neutral and polar, at codon 1061 of the MBD5 protein (p.Pro1061Gln).